The following is an entry in ClinVar:

NM_001048174.2(MUTYH):c.1483C>T (p.Arg495Cys)

Gene: MUTYH (mutY DNA glycosylase; minus strand). Cytogenetic location: 1p34.1.
Variant type: single nucleotide variant.
Coding change: c.1483C>T on transcript NM_001048174.2 (MANE Select); coding-DNA position 1483, C replaced by T.
Protein change: p.Arg495Cys; replaces arginine 495 with cysteine.
Molecular consequence: missense variant. On other transcripts: non-coding transcript variant (2).
Genome position (GRCh38, 1-based): chr1:45,329,389, G>A on the plus strand (C>T on the coding strand, the complement: MUTYH is on the minus strand). VCF-style: chr1-45329389-G-A. GRCh37 (hg19) VCF-style: chr1-45795061-G-A.
Other names: c.1483C>T, p.Arg495Cys (NM_001048171.2, NM_001048173.2, NM_001293195.2); c.1486C>T, p.Arg496Cys (NM_001048172.2); c.1567C>T, p.Arg523Cys (NM_001128425.2); c.1528C>T, p.Arg510Cys (NM_001293190.2); c.1516C>T, p.Arg506Cys (NM_001293191.2); c.1207C>T, p.Arg403Cys (NM_001293192.2, NM_001293196.2); c.1138C>T, p.Arg380Cys (NM_001350650.2, NM_001350651.2); c.1558C>T, p.Arg520Cys (NM_012222.3); short protein forms R523C, R495C, R496C, R510C, R380C, R403C, R506C, R520C.
Identifiers: ClinVar variation 185573 (VCV000185573.73), dbSNP rs147480076, ClinGen allele CA013050.

ClinVar aggregate classification (germline): Conflicting classifications of pathogenicity. Review status: criteria provided, conflicting classifications (1 of 4 stars). 11 submissions from 11 submitters: Uncertain significance (9); Likely benign (2). Last evaluated 2026-04-21.

Conditions:
MUTYH-related disorder. Also called: MUTYH-related condition; MUTYH-related disorders.
Hereditary cancer-predisposing syndrome. Also called: Tumor predisposition; Neoplastic Syndromes, Hereditary; Hereditary Cancer Syndrome; Hereditary neoplastic syndrome. Identifiers: Orphanet 140162, MedGen C0027672, MeSH D009386, MONDO:0015356.
Familial adenomatous polyposis 2. Also called: MUTYH Polyposis; ADENOMAS, MULTIPLE COLORECTAL, AUTOSOMAL RECESSIVE; Adenomas, multiple colorectal; MYH-associated polyposis; FAP type 2; MUTYH-related attenuated familial adenomatous polyposis. Identifiers: Orphanet 220460, Orphanet 247798, MedGen C3272841, MONDO:0012041, OMIM 608456.

Allele frequency attached by ClinVar (database versions not stated): ExAC 0.00005; gnomAD exomes 0.00008 and 0.00009; ESP Exome Variant Server 0.00015; gnomAD 0.00015 and 0.00016; TOPMed 0.00018.
gnomAD v4.1: 135 of 1,614,048 alleles (0.0084%); highest among the groups gnomAD compares: Admixed American, 0.035%; no homozygotes.

Submissions (11):

PreventionGenetics, part of Exact Sciences
Classification: Uncertain significance for MUTYH-related condition. Last evaluated: 2026-04-21. Review status: criteria provided, single submitter. Criteria: ACMG Guidelines, 2015. Collection method: clinical testing. Allele origin: germline.
Comment: The MUTYH c.1567C>T variant is predicted to result in the amino acid substitution p.Arg523Cys. This variant has been reported as uncertain in individuals with MUTYH-associated polyposis or inflammatory bowel disease-associated colorectal cancer (Ricci et al. 2017. PubMed ID: 27829682; Biscaglia et al. 2021. PubMed ID: 34347074). This variant is reported in 0.024% of alleles in individuals of European (Finnish) descent in gnomAD and has conflicting interpretations in ClinVar, ranging from uncertain to likely benign (Variation ID: 185573). At this time, the clinical significance of this variant is uncertain due to the absence of conclusive functional and genetic evidence.

Labcorp Genetics (formerly Invitae), Labcorp
Classification: Uncertain significance for Familial adenomatous polyposis 2. Last evaluated: 2025-12-24. Review status: criteria provided, single submitter. Criteria: Invitae Variant Classification Sherloc (09022015). Collection method: clinical testing. Allele origin: germline.
Comment: This sequence change replaces arginine, which is basic and polar, with cysteine, which is neutral and slightly polar, at codon 523 of the MUTYH protein (p.Arg523Cys). This variant is present in population databases (rs147480076, gnomAD 0.02%). This missense change has been observed in individual(s) with colon polyposis, colorectal cancer, breast cancer, ovarian cancer and/or pancreatic cancer (PMID: 27829682, 34347074, 34371384). This variant is also known as c.1525C>T (p.Arg509Cys). ClinVar contains an entry for this variant (Variation ID: 185573). An algorithm developed to predict the effect of missense changes on protein structure and function outputs the following: PolyPhen-2: "Benign". The cysteine amino acid residue is found in multiple mammalian species, which suggests that this missense change does not adversely affect protein function. In summary, the available evidence is currently insufficient to determine the role of this variant in disease. Therefore, it has been classified as a Variant of Uncertain Significance.

Quest Diagnostics Nichols Institute San Juan Capistrano
Classification: Uncertain significance. Last evaluated: 2025-07-17. Review status: criteria provided, single submitter. Criteria: Quest Diagnostics criteria. Collection method: clinical testing. Allele origin: unknown.
Comment: The MUTYH c.1567C>T (p.Arg523Cys) variant has been reported in the published literature in individuals suspected of MUTYH-associated polyposis (PMID: 27829682 (2016)), breast cancer (PMID: 34371384 (2021)), or colorectal cancer (PMIDs: 34347074 (2022), 28135145 (2017)). This variant has also been identified in reportedly unaffected individuals (PMID: 36243179 (2022)). The frequency of this variant in the general population (Genome Aggregation Database) is uninformative in the assessment of its pathogenicity. Analysis of this variant using bioinformatics tools for the prediction of the effect of amino acid changes on protein structure and function yielded predictions that this variant is benign. Based on the available information, we are unable to determine the clinical significance of this variant.

Center for Genomic Medicine, Rigshospitalet, Copenhagen University Hospital
Classification: Uncertain significance. Last evaluated: 2025-03-04. Review status: criteria provided, single submitter. Criteria: ACMG Guidelines, 2015. Collection method: clinical testing. Allele origin: germline.

Color Diagnostics, LLC DBA Color Health
Classification: Likely benign for Hereditary cancer-predisposing syndrome. Last evaluated: 2024-09-19. Review status: criteria provided, single submitter. Criteria: ACMG Guidelines, 2015. Collection method: clinical testing. Allele origin: germline.

Baylor Genetics
Classification: Uncertain significance for Familial adenomatous polyposis 2. Last evaluated: 2024-03-14. Review status: criteria provided, single submitter. Criteria: ACMG Guidelines, 2015. Collection method: clinical testing. Allele origin: unknown.

Women's Health and Genetics/Laboratory Corporation of America, LabCorp
Classification: Uncertain significance. Last evaluated: 2023-09-26. Review status: criteria provided, single submitter. Criteria: LabCorp Variant Classification Summary - May 2015. Collection method: clinical testing. Allele origin: germline.
Comment: Variant summary: MUTYH c.1567C>T (p.Arg523Cys) results in a non-conservative amino acid change in the encoded protein sequence. Four of five in-silico tools predict a benign effect of the variant on protein function. The variant allele was found at a frequency of 9.1e-05 in 251480 control chromosomes (gnomAD). This frequency is not significantly higher than estimated for a pathogenic variant in MUTYH causing MUTYH-Associated Polyposis (9.1e-05 vs 0.0046), allowing no conclusion about variant significance. c.1567C>T has been reported in the literature in sequencing studies of individuals with a suspected diagnosis of MUTYH-associated Polyposis and among patients with colorectal cancer (example, Ricci_2017, Yurgelun_2017, Biscaglia_2022). These report(s) do not provide unequivocal conclusions about association of the variant with MUTYH-Associated Polyposis. Co-occurrence with other pathogenic variant(s) have been reported (CHEK2 c.470T>C , p.ile157Thr), providing supporting evidence for a benign role (Biscaglia_2022). To our knowledge, no experimental evidence demonstrating an impact on protein function has been reported. The following publications have been ascertained in the context of this evaluation (PMID: 27829682, 28135145, 34347074, 36243179). Nine submitters have cited clinical-significance assessments for this variant to ClinVar after 2014 and classified the variant as VUS (n=7) and likely benign (n=2). Based on the evidence outlined above, the variant was classified as uncertain significance.

ARUP Laboratories, Molecular Genetics and Genomics, ARUP Laboratories
Classification: Uncertain significance. Last evaluated: 2022-04-06. Review status: criteria provided, single submitter. Criteria: ARUP Molecular Germline Variant Investigation Process 2021. Collection method: clinical testing. Allele origin: germline.
Comment: The MUTYH c.1567C>T; p.Arg523Cys variant (rs147480076) is described in the literature in cohorts of individuals affected with polyposis and/or colorectal cancer, but the pathogenicity in both studies have not been ascertained (Ricci 2017, Yurgelun 2017). It is reported in ClinVar (Variation ID: 185573), and is observed in the general population at an overall frequency of 0.01% (25/282876 alleles) in the Genome Aggregation Database. The arginine at codon 523 is weakly conserved, but computational analyses are uncertain whether this variant is neutral or deleterious (REVEL: 0.166). Given the lack of clinical and functional data, the significance of the p.Arg523Cys variant is uncertain at this time. REFERENCES Ricci et al. Type and frequency of MUTYH variants in Italian patients with suspected MAP: a retrospective multicenter study. J Hum Genet. 2017 Feb;62(2):309-315. PMID: 27829682. Yurgelun et al. Cancer Susceptibility Gene Mutations in Individuals With Colorectal Cancer. J Clin Oncol. 2017 Apr 1;35(10):1086-1095. PMID: 28135145.

Sema4
Classification: Uncertain significance for Hereditary cancer-predisposing syndrome. Last evaluated: 2021-11-06. Review status: criteria provided, single submitter. Criteria: Sema4 Curation Guidelines. Collection method: curation. Allele origin: germline.
Comment: The MUTYH c.1567C>T (p.R523C) missense variant has been reported in heterozygosity in several individuals with colorectal cancer (PMID: 27829682, 28135145, 34347074, 34371384, 33471991). In a large breast cancer case control study, it has also been reported in 6/60466 breast cancer cases and 5/53461 healthy controls (PMID: 33471991). It is also known as c.1525C>T (p.R509C) in the literature. It was observed in 6/25122 chromosomes of the Finnish subpopulation in the large and broad cohorts of the Genome Aggregation Database (PMID: 32461654). The variant has been reported in ClinVar (Variation ID: 185573). In silico tools suggest the impact of the variant on protein function is benign, though these predictions have not been confirmed by functional studies. The evidence is insufficient to meet ACMG/AMP criteria for classifying the variant as benign or pathogenic. Thus, the clinical significance of this variant is currently uncertain.

CeGaT Center for Human Genetics Tuebingen
Classification: Uncertain significance. Last evaluated: 2021-01-01. Review status: criteria provided, single submitter. Criteria: CeGaT Center For Human Genetics Tuebingen Variant Classification Criteria Version 2. Collection method: clinical testing. Allele origin: germline. Affected: yes. Observed: 1 variant allele.

Ambry Genetics
Classification: Likely benign for Hereditary cancer-predisposing syndrome. Last evaluated: 2018-11-29. Review status: criteria provided, single submitter. Criteria: Ambry Variant Classification Scheme 2023. Collection method: clinical testing. Allele origin: germline.

Literature cited by the submitters: PubMed 27829682 (cited by 5 submitters); PubMed 34347074 (cited by 4 submitters); PubMed 34371384 (cited by 3 submitters); PubMed 36243179 (cited by Quest Diagnostics Nichols Institute San Juan Capistrano and Women's Health and Genetics/Laboratory Corporation of America, LabCorp); PubMed 33471991 (cited by Quest Diagnostics Nichols Institute San Juan Capistrano and Sema4); PubMed 28135145 (cited by 3 submitters).